The following is an entry in ClinVar:

NM_012318.3(LETM1):c.317G>A (p.Arg106His)

Gene: LETM1 (leucine zipper and EF-hand containing transmembrane protein 1; minus strand). Cytogenetic location: 4p16.3.
Variant type: single nucleotide variant.
Coding change: c.317G>A on transcript NM_012318.3 (MANE Select); coding-DNA position 317, G replaced by A.
Protein change: p.Arg106His; replaces arginine 106 with histidine.
Molecular consequence: missense variant.
Genome position (GRCh38, 1-based): chr4:1,841,624, C>T on the plus strand (G>A on the coding strand, the complement: LETM1 is on the minus strand). VCF-style: chr4-1841624-C-T. GRCh37 (hg19) VCF-style: chr4-1843351-C-T.
Other names: c.317G>A (NM_012318.2); short protein forms R106H.
Identifiers: ClinVar variation 1427398 (VCV001427398.6), dbSNP rs138076114, ClinGen allele CA2811664.

ClinVar aggregate classification (germline): Uncertain significance. Review status: criteria provided, multiple submitters, no conflicts (2 of 4 stars). 3 submissions from 3 submitters: Uncertain significance (3). Last evaluated 2024-10-23.

Conditions:
Inborn genetic diseases. Identifiers: MedGen C0950123, MeSH D030342.

Allele frequency attached by ClinVar (database versions not stated): ExAC 0.00018; gnomAD 0.00022; ESP Exome Variant Server 0.00023; gnomAD exomes 0.00026; TOPMed 0.00028.

Submissions (3):

Labcorp Genetics (formerly Invitae), Labcorp
Classification: Uncertain significance. Last evaluated: 2024-10-23. Review status: criteria provided, single submitter. Criteria: Invitae Variant Classification Sherloc (09022015). Collection method: clinical testing. Allele origin: germline.
Comment: This sequence change replaces arginine, which is basic and polar, with histidine, which is basic and polar, at codon 106 of the LETM1 protein (p.Arg106His). This variant is present in population databases (rs138076114, gnomAD 0.05%). This variant has not been reported in the literature in individuals affected with LETM1-related conditions. ClinVar contains an entry for this variant (Variation ID: 1427398). An algorithm developed to predict the effect of missense changes on protein structure and function (PolyPhen-2) suggests that this variant¬†is likely to be tolerated. In summary, the available evidence is currently insufficient to determine the role of this variant in disease. Therefore, it has been classified as a Variant of Uncertain Significance.

Ambry Genetics
Classification: Uncertain significance for Inborn genetic diseases. Last evaluated: 2024-03-23. Review status: criteria provided, single submitter. Criteria: Ambry Variant Classification Scheme 2023. Collection method: clinical testing. Allele origin: germline.

Breakthrough Genomics
Classification: Uncertain significance. Review status: criteria provided, single submitter. Criteria: ACMG Guidelines, 2015. Collection method: not provided. Allele origin: germline. Inheritance: Autosomal recessive inheritance. Affected: yes.